The following is an entry in ClinVar:

ClinVar aggregate classification (germline): Uncertain significance (1 of 4 stars; one submission).

Conditions:
Combined oxidative phosphorylation defect type 17. Also called: Combined oxidative phosphorylation deficiency 17. Identifiers: Orphanet 369913, MedGen C3809526, MONDO:0014190, OMIM 615440.

Submission:

Labcorp Genetics (formerly Invitae), Labcorp
Classification: Uncertain significance for Combined oxidative phosphorylation defect type 17. Last evaluated: 2022-02-28. Review status: criteria provided, single submitter. Criteria: Invitae Variant Classification Sherloc (09022015). Collection method: clinical testing. Allele origin: germline.
Comment: This variant has not been reported in the literature in individuals affected with ELAC2-related conditions. This sequence change replaces asparagine, which is neutral and polar, with lysine, which is basic and polar, at codon 220 of the ELAC2 protein (p.Asn220Lys). This variant is not present in population databases (gnomAD no frequency). Algorithms developed to predict the effect of missense changes on protein structure and function (SIFT, PolyPhen-2, Align-GVGD) all suggest that this variant is likely to be tolerated. In summary, the available evidence is currently insufficient to determine the role of this variant in disease. Therefore, it has been classified as a Variant of Uncertain Significance.

NM_018127.7(ELAC2):c.660T>G (p.Asn220Lys)

Gene: ELAC2 (elaC ribonuclease Z 2; minus strand). Cytogenetic location: 17p12.
Variant type: single nucleotide variant.
Coding change: c.660T>G on transcript NM_018127.7 (MANE Select); coding-DNA position 660, T replaced by G.
Protein change: p.Asn220Lys; replaces asparagine 220 with lysine.
Molecular consequence: missense variant. On other transcripts: intron variant (1).
Genome position (GRCh38, 1-based): chr17:13,011,682, A>C on the plus strand (T>G on the coding strand, the complement: ELAC2 is on the minus strand). VCF-style: chr17-13011682-A-C. GRCh37 (hg19) VCF-style: chr17-12914999-A-C.
Other names: c.660T>G, p.Asn220Lys (NM_173717.2); c.560-1011T>G (NM_001165962.2); short protein forms N220K.
Identifiers: ClinVar variation 2058732 (VCV002058732.4), dbSNP rs2508355705, ClinGen allele CA398217399.